The following is an entry in ClinVar:

ClinVar aggregate classification (germline): Uncertain significance (1 of 4 stars; one submission).

Conditions:
Charcot-Marie-Tooth disease type 2. Also called: Charcot-Marie-Tooth type 2. Identifiers: Orphanet 64746, MedGen C0270914, MONDO:0018993.

Allele frequency attached by ClinVar (database versions not stated): gnomAD exomes below 0.00001.
gnomAD v4.1: 1 of 1,614,268 alleles (0.000062%); highest among the groups gnomAD compares: South Asian, 0.0011%; no homozygotes.

Submission:

Labcorp Genetics (formerly Invitae), Labcorp
Classification: Uncertain significance for Charcot-Marie-Tooth disease type 2. Last evaluated: 2023-06-16. Review status: criteria provided, single submitter. Criteria: Invitae Variant Classification Sherloc (09022015). Collection method: clinical testing. Allele origin: germline.
Comment: In summary, the available evidence is currently insufficient to determine the role of this variant in disease. Therefore, it has been classified as a Variant of Uncertain Significance. Advanced modeling of protein sequence and biophysical properties (such as structural, functional, and spatial information, amino acid conservation, physicochemical variation, residue mobility, and thermodynamic stability) has been performed at Invitae for this missense variant, however the output from this modeling did not meet the statistical confidence thresholds required to predict the impact of this variant on MFN2 protein function. This variant has not been reported in the literature in individuals affected with MFN2-related conditions. This variant is not present in population databases (gnomAD no frequency). This sequence change replaces serine, which is neutral and polar, with threonine, which is neutral and polar, at codon 729 of the MFN2 protein (p.Ser729Thr).

NM_014874.4(MFN2):c.2186G>C (p.Ser729Thr)

Gene: MFN2 (mitofusin 2; plus strand). Cytogenetic location: 1p36.22.
Variant type: single nucleotide variant.
Coding change: c.2186G>C on transcript NM_014874.4 (MANE Select); coding-DNA position 2186, G replaced by C.
Protein change: p.Ser729Thr; replaces serine 729 with threonine.
Molecular consequence: missense variant.
Genome position (GRCh38, 1-based): chr1:12,009,708, G>C. VCF-style: chr1-12009708-G-C. GRCh37 (hg19) VCF-style: chr1-12069765-G-C.
Other names: c.2186G>C, p.Ser729Thr (NM_001127660.2); short protein forms S729T.
Identifiers: ClinVar variation 2717245 (VCV002717245.3), dbSNP rs2523123050, ClinGen allele CA338453361.
Genomic context (GRCh38, chr1:12,009,708, plus strand): 5'-ACCTGGAGCAGGAAATTGCCGCCATGAACAAGAAAATTGAGGTTCTTGACTCACTTCAGA[G>C]CAAAGCAAAGCTGCTCAGGTGAGGCTGGCCCGTGTGGCCAAAGGTTAGGGCTCCAGGGTG-3'
Protein context (NP_055689.1, residues 719-739): KKIEVLDSLQ[Ser729Thr]KAKLLRNKAG